The following is an entry in ClinVar:

ClinVar aggregate classification (germline): Uncertain significance (1 of 4 stars; one submission).

Submission:

Labcorp Genetics (formerly Invitae), Labcorp
Classification: Uncertain significance. Last evaluated: 2023-07-17. Review status: criteria provided, single submitter. Criteria: Invitae Variant Classification Sherloc (09022015). Collection method: clinical testing. Allele origin: germline.
Comment: This sequence change replaces proline, which is neutral and non-polar, with leucine, which is neutral and non-polar, at codon 2349 of the KMT2B protein (p.Pro2349Leu). This variant is not present in population databases (gnomAD no frequency). This variant has not been reported in the literature in individuals affected with KMT2B-related conditions. ClinVar contains an entry for this variant (Variation ID: 1961746). Advanced modeling of protein sequence and biophysical properties (such as structural, functional, and spatial information, amino acid conservation, physicochemical variation, residue mobility, and thermodynamic stability) performed at Invitae indicates that this missense variant is not expected to disrupt KMT2B protein function. In summary, the available evidence is currently insufficient to determine the role of this variant in disease. Therefore, it has been classified as a Variant of Uncertain Significance.

NM_014727.3(KMT2B):c.7046C>T (p.Pro2349Leu)

Gene: KMT2B (lysine methyltransferase 2B; plus strand). Cytogenetic location: 19q13.12.
Variant type: single nucleotide variant.
Coding change: c.7046C>T on transcript NM_014727.3 (MANE Select); coding-DNA position 7046, C replaced by T.
Protein change: p.Pro2349Leu; replaces proline 2349 with leucine.
Molecular consequence: missense variant.
Genome position (GRCh38, 1-based): chr19:35,733,683, C>T. VCF-style: chr19-35733683-C-T. GRCh37 (hg19) VCF-style: chr19-36224584-C-T.
Other names: short protein forms P2349L.
Identifiers: ClinVar variation 1961746 (VCV001961746.5), dbSNP rs1319680949, ClinGen allele CA405431338.
Genomic context (GRCh38, chr19:35,733,683, plus strand): 5'-CCACAGTGCGTGGGGTCCTTGACCTGGATCGGCCTGGGGAGCCCGCTGGGGAAGAAAGTC[C>T]TGGGTGAGTGGCCAGGCCCCTCTCCCTGGAGGGTCTGGGACCTCTGTCCTTCCCCTTCCT-3'
Protein context (NP_055542.1, residues 2339-2359): RPGEPAGEES[Pro2349Leu]GPLQERSPLL